The following is an entry in ClinVar:

ClinVar aggregate classification (germline): Pathogenic/Likely pathogenic. Review status: criteria provided, multiple submitters, no conflicts (2 of 4 stars). 4 submissions from 4 submitters: Pathogenic (1); Likely pathogenic (3). Last evaluated 2026-01-26.

Conditions:
Congenital myasthenic syndrome 5. Identifiers: Orphanet 590, MedGen C1864233, MONDO:0011281, OMIM 603034.

Allele frequency attached by ClinVar (database versions not stated): gnomAD 0.00001; gnomAD exomes 0.00001; TOPMed 0.00002; ExAC 0.00003.
gnomAD v4.1: 12 of 1,614,240 alleles (0.00074%); highest among the groups gnomAD compares: East Asian, 0.022%; no homozygotes.

Submissions (4):

Medical and Scientific Branch, Hong Kong Genome Institute
Classification: Likely pathogenic for Congenital myasthenic syndrome 5. Last evaluated: 2026-01-26. Review status: criteria provided, single submitter. Criteria: ACMG Guidelines, 2015. Collection method: clinical testing. Allele origin: unknown. Affected: yes.

Labcorp Genetics (formerly Invitae), Labcorp
Classification: Pathogenic for Congenital myasthenic syndrome 5. Last evaluated: 2025-08-09. Review status: criteria provided, single submitter. Criteria: Invitae Variant Classification Sherloc (09022015). Collection method: clinical testing. Allele origin: germline.
Comment: This sequence change replaces proline, which is neutral and non-polar, with serine, which is neutral and polar, at codon 59 of the COLQ protein (p.Pro59Ser). This variant is present in population databases (rs763036328, gnomAD 0.05%). This missense change has been observed in individuals with clinical features of congenital myasthenic syndrome (PMID: 22088788; internal data). ClinVar contains an entry for this variant (Variation ID: 2421993). Invitae Evidence Modeling of protein sequence and biophysical properties (such as structural, functional, and spatial information, amino acid conservation, physicochemical variation, residue mobility, and thermodynamic stability) indicates that this missense variant is not expected to disrupt COLQ protein function with a negative predictive value of 80%. This variant disrupts the p.Pro59 amino acid residue in COLQ. Other variant(s) that disrupt this residue have been determined to be pathogenic (PMID: 10665486; internal data). This suggests that this residue is clinically significant, and that variants that disrupt this residue are likely to be disease-causing. For these reasons, this variant has been classified as Pathogenic.

Fulgent Genetics
Classification: Likely pathogenic for Congenital myasthenic syndrome 5. Last evaluated: 2024-01-27. Review status: criteria provided, single submitter. Criteria: ACMG Guidelines, 2015. Collection method: clinical testing. Allele origin: germline.

Juno Genomics, Hangzhou Juno Genomics, Inc
Classification: Likely pathogenic for Congenital myasthenic syndrome 5. Review status: criteria provided, single submitter. Criteria: ACMG Guidelines, 2015. Collection method: clinical testing. Allele origin: germline. Affected: yes.
Comment: Absent from controls (or at extremely low frequency if recessive) in Genome Aggregation Database, Exome Sequencing Project, 1000 Genomes Project, or Exome Aggregation Consortium.;Multiple lines of computational evidence support a deleterious effect on the gene or gene product (conservation, evolutionary, splicing impact, etc).;For recessive disorders, detected in trans with a pathogenic variant.;Patient's phenotype or family history is highly specific for a disease with a single genetic etiology.

Literature cited by the submitters: PubMed 22088788 (cited by Labcorp Genetics (formerly Invitae), Labcorp); PubMed 10665486 (cited by Labcorp Genetics (formerly Invitae), Labcorp).

NM_005677.4(COLQ):c.175C>T (p.Pro59Ser)

Gene: COLQ (collagen like tail subunit of asymmetric acetylcholinesterase; minus strand). Cytogenetic location: 3p25.1.
Variant type: single nucleotide variant.
Coding change: c.175C>T on transcript NM_005677.4 (MANE Select); coding-DNA position 175, C replaced by T.
Protein change: p.Pro59Ser; replaces proline 59 with serine.
Molecular consequence: missense variant.
Genome position (GRCh38, 1-based): chr3:15,489,569, G>A on the plus strand (C>T on the coding strand, the complement: COLQ is on the minus strand). VCF-style: chr3-15489569-G-A. GRCh37 (hg19) VCF-style: chr3-15531076-G-A.
Other names: c.145C>T, p.Pro49Ser (NM_080538.2); c.175C>T, p.Pro59Ser (NM_080539.4); short protein forms P49S, P59S.
Identifiers: ClinVar variation 2421993 (VCV002421993.12), dbSNP rs763036328, ClinGen allele CA2276304.
Genomic context (GRCh38, chr3:15,489,569, plus strand): 5'-ATCCCAAAGTACTCACCGGACTTCGGCCACCTCTGAAGAATGGTGGTGGGAACAGTGGTG[G>A]TGGAGGAGGCGTCAGCAGGCAGCATGCTTTGTGGCCACCACGCTTCTTCTGATCCAGGCT-3'
Protein context (NP_005668.2, residues 49-69): KACCLLTPPP[Pro59Ser]PLFPPPFFRG